The following is an entry in ClinVar:

NM_000512.5(GALNS):c.1002+108C>G

Gene: GALNS (galactosamine (N-acetyl)-6-sulfatase; minus strand). Cytogenetic location: 16q24.3.
Variant type: single nucleotide variant.
Coding change: c.1002+108C>G on transcript NM_000512.5 (MANE Select); 108 bases into the intron after coding-DNA position 1002, C replaced by G.
Molecular consequence: intron variant.
Genome position (GRCh38, 1-based): chr16:88,831,890, G>C on the plus strand (C>G on the coding strand, the complement: GALNS is on the minus strand). VCF-style: chr16-88831890-G-C. GRCh37 (hg19) VCF-style: chr16-88898298-G-C.
Other names: c.447+108C>G (NM_001323543.2); c.1020+108C>G (NM_001323544.2).
Identifiers: ClinVar variation 1707193 (VCV001707193.2), dbSNP rs114741148, ClinGen allele CA286459125.

ClinVar aggregate classification (germline): Likely benign (1 of 4 stars; one submission).

Allele frequency attached by ClinVar (database versions not stated): gnomAD exomes 0.00161; gnomAD 0.01396; 1000 Genomes Project 0.01777; 1000 Genomes Project 30x 0.01811.
gnomAD v4.1: 3,400 of 907,126 alleles (0.37%); highest among the groups gnomAD compares: African/African-American, 4.8%; 64 homozygotes.

Submission:

GeneDx
Classification: Likely benign. Last evaluated: 2020-02-03. Review status: criteria provided, single submitter. Criteria: GeneDx Variant Classification Process June 2021. Collection method: clinical testing. Allele origin: germline. Affected: yes.
Comment: See Variant Classification Assertion Criteria.